The following is an entry in ClinVar:

NM_001232.4(CASQ2):c.210C>G (p.Phe70Leu)

Gene: CASQ2 (calsequestrin 2; minus strand). Cytogenetic location: 1p13.1.
Variant type: single nucleotide variant.
Coding change: c.210C>G on transcript NM_001232.4 (MANE Select); coding-DNA position 210, C replaced by G.
Protein change: p.Phe70Leu; replaces phenylalanine 70 with leucine.
Molecular consequence: missense variant.
Genome position (GRCh38, 1-based): chr1:115,768,332, G>C on the plus strand (C>G on the coding strand, the complement: CASQ2 is on the minus strand). VCF-style: chr1-115768332-G-C. GRCh37 (hg19) VCF-style: chr1-116310953-G-C.
Other names: short protein forms F70L.
Identifiers: ClinVar variation 1359118 (VCV001359118.4), dbSNP rs774492523, ClinGen allele CA341767009.
Genomic context (GRCh38, chr1:115,768,332, plus strand): 5'-GAGGCAGCGCAGACAGCATGCCCTTTGGTTACTTACCTCAAGCACGATTTCTTTCAGTTG[G>C]AACTGTTTTTGCGTGACCTTATCTGAAGACACCGGCTCATGGTAGTAGAGGCAAAGCAAG-3'
Protein context (NP_001223.2, residues 60-80): VSSDKVTQKQ[Phe70Leu]QLKEIVLELV

ClinVar aggregate classification (germline): Uncertain significance (1 of 4 stars; one submission).

Conditions:
Catecholaminergic polymorphic ventricular tachycardia 1. Also called: RYR2-Related Catecholaminergic Polymorphic Ventricular Tachycardia; VENTRICULAR TACHYCARDIA, CATECHOLAMINERGIC POLYMORPHIC, 1, WITH OR WITHOUT ATRIAL DYSFUNCTION AND/OR DILATED CARDIOMYOPATHY; VENTRICULAR TACHYCARDIA, STRESS-INDUCED POLYMORPHIC 1. Identifiers: Orphanet 3286, MedGen C1631597, MONDO:0011484, OMIM 604772.

Allele frequency attached by ClinVar (database versions not stated): gnomAD 0.00001.
gnomAD v4.1: 4 of 1,612,988 alleles (0.00025%); highest among the groups gnomAD compares: East Asian, 0.0067%; no homozygotes.

Submission:

Labcorp Genetics (formerly Invitae), Labcorp
Classification: Uncertain significance for Catecholaminergic polymorphic ventricular tachycardia 1. Last evaluated: 2021-09-04. Review status: criteria provided, single submitter. Criteria: Invitae Variant Classification Sherloc (09022015). Collection method: clinical testing. Allele origin: germline.
Comment: This sequence change replaces phenylalanine with leucine at codon 70 of the CASQ2 protein (p.Phe70Leu). The phenylalanine residue is moderately conserved and there is a small physicochemical difference between phenylalanine and leucine. This variant is not present in population databases (ExAC no frequency). This variant has not been reported in the literature in individuals affected with CASQ2-related conditions. Algorithms developed to predict the effect of missense changes on protein structure and function (SIFT, PolyPhen-2, Align-GVGD) all suggest that this variant is likely to be tolerated. In summary, the available evidence is currently insufficient to determine the role of this variant in disease. Therefore, it has been classified as a Variant of Uncertain Significance.